The following is an entry in ClinVar:

NM_019098.5(CNGB3):c.503C>T (p.Thr168Met)

Gene: CNGB3 (cyclic nucleotide gated channel subunit beta 3; minus strand). Cytogenetic location: 8q21.3.
Variant type: single nucleotide variant.
Coding change: c.503C>T on transcript NM_019098.5 (MANE Select); coding-DNA position 503, C replaced by T.
Protein change: p.Thr168Met; replaces threonine 168 with methionine.
Molecular consequence: missense variant.
Genome position (GRCh38, 1-based): chr8:86,668,159, G>A on the plus strand (C>T on the coding strand, the complement: CNGB3 is on the minus strand). VCF-style: chr8-86668159-G-A. GRCh37 (hg19) VCF-style: chr8-87680387-G-A.
Other names: short protein forms T168M.
Identifiers: ClinVar variation 864589 (VCV000864589.12), dbSNP rs755130011, ClinGen allele CA4800363.

ClinVar aggregate classification (germline): Uncertain significance. Review status: criteria provided, multiple submitters, no conflicts (2 of 4 stars). 6 submissions from 6 submitters: Uncertain significance (4). 2 of the submissions do not count toward it. Last evaluated 2025-08-12.

Conditions:
CNGB3-related disorder. Also called: CNGB3-related condition; CNGB3-related disorders. Identifiers: MedGen CN239340.
Achromatopsia 3 (ACHM3). Also called: ACHROMATOPSIA WITH MYOPIA; ROD MONOCHROMACY 1; ROD MONOCHROMATISM 1; PINGELAPESE BLINDNESS; TOTAL COLORBLINDNESS WITH MYOPIA. Identifiers: Orphanet 49382, MedGen C1849792, MONDO:0009875, OMIM 262300.
CNGB3-related retinopathy. Also called: CNGB3 retinopathy. Identifiers: MedGen CN305596, MONDO:0100446.
Achromatopsia. Also called: Rod monochromatism. Identifiers: Orphanet 49382, MedGen C0152200, MONDO:0018852, HP:0011516.

Allele frequency attached by ClinVar (database versions not stated): ExAC 0.00006; gnomAD exomes 0.00006 and 0.00008; gnomAD 0.00008 and 0.00009; TOPMed 0.00009.

Submissions (6):

Myriad Genetics, Inc.
Classification: Uncertain significance for Achromatopsia 3. Last evaluated: 2025-08-12. Review status: criteria provided, single submitter. Criteria: Myriad Autosomal Dominant, Autosomal Recessive and X-Linked Classification Criteria (2023). Collection method: clinical testing. Allele origin: unknown.
Comment: NM_019098.4(CNGB3):c.503C>T(T168M) is a missense variant classified as a variant of uncertain significance in the context of achromatopsia, CNGB3-related. T168M has been observed in cases with relevant disease (PMID: 35119454, 15712225, 27479814). Relevant functional assessments of this variant are not available in the literature. T168M has been observed in referenced population frequency databases. In summary, there is insufficient evidence to classify NM_019098.4(CNGB3):c.503C>T(T168M) as pathogenic or benign. Please note: this variant was assessed in the context of healthy population screening.

Blueprint Genetics
Classification: Uncertain significance. Last evaluated: 2024-11-19. Review status: criteria provided, single submitter. Criteria: ACMG Guidelines, 2015. Collection method: clinical testing. Allele origin: germline.

Labcorp Genetics (formerly Invitae), Labcorp
Classification: Uncertain significance. Last evaluated: 2024-10-25. Review status: criteria provided, single submitter. Criteria: Invitae Variant Classification Sherloc (09022015). Collection method: clinical testing. Allele origin: germline.
Comment: This sequence change replaces threonine, which is neutral and polar, with methionine, which is neutral and non-polar, at codon 168 of the CNGB3 protein (p.Thr168Met). This variant is present in population databases (rs755130011, gnomAD 0.04%). This missense change has been observed in individual(s) with achromatopsia and/or CNGB3-related conditions (PMID: 15712225, 27479814, 35119454). ClinVar contains an entry for this variant (Variation ID: 864589). Invitae Evidence Modeling of protein sequence and biophysical properties (such as structural, functional, and spatial information, amino acid conservation, physicochemical variation, residue mobility, and thermodynamic stability) indicates that this missense variant is not expected to disrupt CNGB3 protein function with a negative predictive value of 95%. In summary, the available evidence is currently insufficient to determine the role of this variant in disease. Therefore, it has been classified as a Variant of Uncertain Significance.

Department of Pathology and Laboratory Medicine, Sinai Health System
Classification: Uncertain significance for CNGB3-related retinopathy. Last evaluated: 2021-12-22. Review status: criteria provided, single submitter. Criteria: ACMG Guidelines, 2015. Collection method: research. Allele origin: germline.

Natera, Inc.
Classification: Uncertain significance for Achromatopsia. Last evaluated: 2020-02-11. Review status: no assertion criteria provided. Collection method: clinical testing. Allele origin: germline. Not counted in ClinVar's aggregate classification.

PreventionGenetics, part of Exact Sciences
Classification: Likely benign for CNGB3-related condition. Last evaluated: 2019-08-21. Review status: no assertion criteria provided. Collection method: clinical testing. Allele origin: germline. Not counted in ClinVar's aggregate classification.
Comment: This variant is classified as likely benign based on ACMG/AMP sequence variant interpretation guidelines (Richards et al. 2015 PMID: 25741868, with internal and published modifications).

Literature cited by the submitters: PubMed 15712225 (cited by Myriad Genetics, Inc. and Labcorp Genetics (formerly Invitae), Labcorp); PubMed 27479814 (cited by Myriad Genetics, Inc. and Labcorp Genetics (formerly Invitae), Labcorp); PubMed 35119454 (cited by Myriad Genetics, Inc. and Labcorp Genetics (formerly Invitae), Labcorp).